The following is an entry in ClinVar:

ClinVar aggregate classification (germline): Conflicting classifications of pathogenicity. Review status: criteria provided, conflicting classifications (1 of 4 stars). 9 submissions from 9 submitters: Uncertain significance (2); Likely benign (4). 3 of the submissions do not count toward it. Last evaluated 2026-06-18.

Conditions:
RASopathy. Also called: rasopathies; Noonan spectrum disorder. Identifiers: Orphanet 536391, MedGen C5555857, MONDO:0021060.
CBL-related disorder. Also called: NOONAN SYNDROME-LIKE DISORDER WITHOUT JUVENILE MYELOMONOCYTIC LEUKEMIA; CBL MUTATION-ASSOCIATED SYNDROME; CBL SYNDROME. Identifiers: Orphanet 363972, MedGen C3150803, MONDO:0013308, OMIM 613563.

Submissions (9):

Women's Health and Genetics/Laboratory Corporation of America, LabCorp
Classification: Likely benign. Last evaluated: 2026-06-18. Review status: criteria provided, single submitter. Criteria: LabCorp Variant Classification Summary - May 2015. Collection method: clinical testing. Allele origin: germline.
Comment: Variant summary: CBL c.122_127dupACCACC (p.His41_His42dup) results in an in-frame duplication that is predicted to duplicate two amino acids into the encoded protein. The variant allele was found at a frequency of 7.2e-05 in 151840 control chromosomes. The observed variant frequency exceeds the estimated maximal expected allele frequency for disease-causing variants in CBL. To our knowledge, no occurrence of c.122_127dupACCACC in individuals affected with CBL-related conditions and no experimental evidence demonstrating its impact on protein function have been reported. Co-occurrence with another pathogenic variant has been reported (Internal data; PTPN11 c.854T>C, p.Phe285Ser), providing supporting evidence for a benign role. ClinVar contains an entry for this variant (Variation ID: 477693). Based on the evidence outlined above, the variant was classified as likely benign.

Labcorp Genetics (formerly Invitae), Labcorp
Classification: Uncertain significance for RASopathy. Last evaluated: 2025-12-11. Review status: criteria provided, single submitter. Criteria: Invitae Variant Classification Sherloc (09022015). Collection method: clinical testing. Allele origin: germline.
Comment: This variant, c.122_127dup, results in the insertion of 2 amino acid(s) of the CBL protein (p.His41_His42dup), but otherwise preserves the integrity of the reading frame. This variant is present in population databases (rs373212940, gnomAD 0.03%). This variant has been observed in individual(s) with clinical features of Noonan syndrome (internal data). ClinVar contains an entry for this variant (Variation ID: 477693). Experimental studies and prediction algorithms are not available or were not evaluated, and the functional significance of this variant is currently unknown. In summary, the available evidence is currently insufficient to determine the role of this variant in disease. Therefore, it has been classified as a Variant of Uncertain Significance.

CeGaT Center for Human Genetics Tuebingen
Classification: Likely benign. Last evaluated: 2025-12-01. Review status: criteria provided, single submitter. Criteria: CeGaT Center For Human Genetics Tuebingen Variant Classification Criteria Version 2. Collection method: clinical testing. Allele origin: germline. Affected: yes. Observed: 2 variant alleles.
Comment: CBL: BS1

Laboratory of Genetics, Children's Clinical University Hospital Latvia
Classification: Likely benign. Last evaluated: 2025-02-16. Review status: criteria provided, single submitter. Criteria: ACMG Guidelines, 2015. Collection method: clinical testing. Allele origin: germline. Affected: yes.

Genetic Services Laboratory, University of Chicago
Classification: Uncertain significance. Last evaluated: 2019-10-14. Review status: criteria provided, single submitter. Criteria: ACMG Guidelines, 2015. Collection method: clinical testing. Allele origin: germline. Affected: no.

GeneDx
Classification: Likely benign. Last evaluated: 2019-07-02. Review status: criteria provided, single submitter. Criteria: GeneDx Variant Classification Process June 2021. Collection method: clinical testing. Allele origin: germline. Affected: yes.

PreventionGenetics, part of Exact Sciences
Classification: Likely benign for CBL-related condition. Last evaluated: 2020-09-10. Review status: no assertion criteria provided. Collection method: clinical testing. Allele origin: germline. Not counted in ClinVar's aggregate classification.
Comment: This variant is classified as likely benign based on ACMG/AMP sequence variant interpretation guidelines (Richards et al. 2015 PMID: 25741868, with internal and published modifications).

Clinical Genetics DNA and cytogenetics Diagnostics Lab, Erasmus MC, Erasmus Medical Center
Classification: Likely benign. Review status: no assertion criteria provided. Collection method: clinical testing. Allele origin: germline. Affected: yes. Study: VKGL Data-share Consensus. Not counted in ClinVar's aggregate classification.

Diagnostic Laboratory, Department of Genetics, University Medical Center Groningen
Classification: Likely benign. Review status: no assertion criteria provided. Collection method: clinical testing. Allele origin: germline. Affected: yes. Study: VKGL Data-share Consensus. Not counted in ClinVar's aggregate classification.

NM_005188.4(CBL):c.107ACC[9] (p.His41_His42dup)

Genes: CBL (Cbl proto-oncogene; plus strand), LOC130006895 (ATAC-STARR-seq lymphoblastoid silent region 3975; plus strand). Cytogenetic location: 11q23.3.
Variant type: Microsatellite.
Coding change: c.107ACC[9] on transcript NM_005188.4 (MANE Select); nine copies in a row of the 3-base unit ACC starting at c.107; the reference has seven copies in a row; two copies, 6 bases duplicated; also written c.122_127dup.
Protein change: p.His41_His42dup.
Molecular consequence: inframe insertion.
Genome position (GRCh38, 1-based): chr11:119,206,539-119,206,544, ACCACC duplicated; duplicating any 6 consecutive bases within chr11:119,206,523-119,206,544 gives the same sequence; the position shown is the placement nearest the transcript's 3' end. VCF-style (leftmost placement, unchanged base first): chr11-119206522-G-GCACCAC. GRCh37 (hg19) VCF-style: chr11-119077232-G-GCACCAC.
Other names: c.122_127dupACCACC (NM_005188.4); c.122_127dup (NM_005188.3); c.122_127dup6 (NM_005188.3).
Identifiers: ClinVar variation 477693 (VCV000477693.34), dbSNP rs373212940, ClinGen allele CA6318225.